The following is an entry in ClinVar:

ClinVar aggregate classification (germline): Benign (1 of 4 stars; one submission).

Conditions:
Leigh syndrome (NULS). Also called: Leigh's necrotizing encephalopathy; Leigh's disease; Leigh Syndrome (mtDNA deletion); Leigh Disease; Subacute necrotizing encephalopathy; Necrotizing encephalopathy infantile subacute of Leigh. Identifiers: Orphanet 506, MedGen C2931891, MONDO:0009723, OMIM 256000.

Submission:

Wong Mito Lab, Molecular and Human Genetics, Baylor College of Medicine
Classification: Benign for Leigh syndrome. Last evaluated: 2019-10-17. Review status: criteria provided, single submitter. Criteria: Modified ACMG Guidelines (Unpublished). Collection method: clinical testing. Allele origin: germline.
Comment: The NC_012920.1:m.8460A>G (YP_003024030.1:p.Asn32Ser) variant in MTATP8 gene is interpretated to be a Benign variant based on the modified ACMG guidelines (unpublished). This variant meets the following evidence codes: BA1

NC_012920.1(MT-ATP8):m.8460A>G

Gene: MT-ATP8 (mitochondrially encoded ATP synthase 8; plus strand).
Variant type: single nucleotide variant.
Genome position: chrM-8460-A-G.
Identifiers: ClinVar variation 692862 (VCV000692862.1), dbSNP rs1116906, ClinGen allele CA337097881.
Genomic context (GRCh38, chrMT:8,460, plus strand): 5'-TAATTACCCCCATACTCCTTACACTATTCCTCATCACCCAACTAAAAATATTAAACACAA[A>G]CTACCACCTACCTCCCTCACCAAAGCCCATAAAAATAAAAAATTATAACAAACCCTGAGA-3'